The following is an entry in ClinVar:

NM_000222.3(KIT):c.1638A>G (p.Lys546=)

Gene: KIT (KIT proto-oncogene, receptor tyrosine kinase; plus strand). Cytogenetic location: 4q12.
Variant type: single nucleotide variant.
Coding change: c.1638A>G on transcript NM_000222.3 (MANE Select); coding-DNA position 1638, A replaced by G.
Protein change: p.Lys546=; no amino-acid change (lysine 546 retained).
Molecular consequence: synonymous variant.
Genome position (GRCh38, 1-based): chr4:54,727,315, A>G. VCF-style: chr4-54727315-A-G. GRCh37 (hg19) VCF-style: chr4-55593481-A-G.
Other names: p.Lys546=; c.1626A>G, p.Lys542= (NM_001093772.2, NM_001385286.1); c.1641A>G, p.Lys547= (NM_001385284.1, NM_001385290.1); c.1638A>G, p.Lys546= (NM_001385285.1); c.1629A>G, p.Lys543= (NM_001385288.1, NM_001385292.1).
Identifiers: ClinVar variation 255569 (VCV000255569.34), dbSNP rs55986963, ClinGen allele CA2923539.

ClinVar aggregate classification (germline): Benign. Review status: criteria provided, multiple submitters, no conflicts (2 of 4 stars). 15 submissions from 13 submitters: Benign (13). 2 of the submissions do not count toward it. Last evaluated 2026-06-04.

Conditions:
Mastocytosis. Also called: Mast Cell Disease. Identifiers: Orphanet 98292, MedGen C0024899, MONDO:0007950, HP:0100495.
Gastrointestinal stromal tumor. Also called: Gastrointestinal stromal tumor, somatic; Gastrointestinal stroma tumor. Identifiers: Orphanet 44890, MedGen C0238198, MeSH D046152, MONDO:0011719, OMIM 606764, HP:0100723.
Hereditary cancer-predisposing syndrome. Also called: Tumor predisposition; Hereditary Cancer Syndrome; Neoplastic Syndromes, Hereditary; Hereditary neoplastic syndrome. Identifiers: Orphanet 140162, MedGen C0027672, MeSH D009386, MONDO:0015356.
Piebaldism. Also called: Piebald skin depigmentation. Identifiers: Orphanet 2884, MedGen C0080024, MONDO:0008244, OMIM 172800, HP:0007544.

Allele frequency attached by ClinVar (database versions not stated): 1000 Genomes Project 30x 0.02077; 1000 Genomes Project 0.02137; ESP Exome Variant Server 0.02191; gnomAD 0.02258 and 0.02299; TOPMed 0.02271; ExAC 0.02727; gnomAD exomes 0.02744 and 0.02745.
gnomAD v4.1: 43,698 of 1,613,900 alleles (2.7%); highest among the groups gnomAD compares: East Asian, 4%; 716 homozygotes.

Submissions (28):

Myriad Genetics, Inc.
Classification: Benign for Gastrointestinal stromal tumor. Last evaluated: 2026-06-04. Review status: criteria provided, single submitter. Criteria: Myriad Autosomal Dominant, Autosomal Recessive and X-Linked Classification Criteria (2023). Collection method: clinical testing. Allele origin: unknown.
Comment: This variant is considered benign. This variant is a silent/synonymous amino acid change and it is not expected to impact splicing.

Labcorp Genetics (formerly Invitae), Labcorp
Classification: Benign for Gastrointestinal stromal tumor. Last evaluated: 2026-02-04. Review status: criteria provided, single submitter. Criteria: Invitae Variant Classification Sherloc (09022015). Collection method: clinical testing. Allele origin: germline.

CeGaT Center for Human Genetics Tuebingen
Classification: Benign. Last evaluated: 2025-12-01. Review status: criteria provided, single submitter. Criteria: CeGaT Center For Human Genetics Tuebingen Variant Classification Criteria Version 2. Collection method: clinical testing. Allele origin: germline. Affected: yes. Observed: 1 variant allele.
Comment: KIT: BP4, BP7, BS1, BS2

Blueprint Genetics
Classification: Benign. Last evaluated: 2024-11-26. Review status: criteria provided, single submitter. Criteria: ACMG Guidelines, 2015. Collection method: clinical testing. Allele origin: germline.

KCCC/NGS Laboratory, Kuwait Cancer Control Center
Classification: Benign for Gastrointestinal stromal tumor. Last evaluated: 2023-07-07. Review status: criteria provided, single submitter. Criteria: ACMG Guidelines, 2015. Collection method: clinical testing. Allele origin: germline. Affected: yes.

Mayo Clinic Laboratories, Mayo Clinic
Classification: Benign. Last evaluated: 2021-12-23. Review status: criteria provided, single submitter. Criteria: ACMG Guidelines, 2015. Collection method: clinical testing. Allele origin: germline. Observed: 24 variant alleles.

GeneDx
Classification: Benign. Last evaluated: 2019-08-01. Review status: criteria provided, single submitter. Criteria: GeneDx Variant Classification Process June 2021. Collection method: clinical testing. Allele origin: germline. Affected: yes.

Ambry Genetics
Classification: Benign for Hereditary cancer-predisposing syndrome. Last evaluated: 2019-05-08. Review status: criteria provided, single submitter. Criteria: Ambry Variant Classification Scheme 2023. Collection method: clinical testing. Allele origin: germline.

Illumina Laboratory Services, Illumina
Classification: Benign for Cutaneous mastocytosis. Last evaluated: 2018-01-13. Review status: criteria provided, single submitter. Criteria: ICSL Variant Classification Criteria 13 December 2019. Collection method: clinical testing. Allele origin: germline.
Comment: This variant was observed in the ICSL laboratory as part of a predisposition screen in an ostensibly healthy population. It had not been previously curated by ICSL or reported in the Human Gene Mutation Database (HGMD: prior to June 1st, 2018), and was therefore a candidate for classification through an automated scoring system. Utilizing variant allele frequency, disease prevalence and penetrance estimates, and inheritance mode, an automated score was calculated to assess if this variant is too frequent to cause the disease. Based on the score and internal cut-off values, a variant classified as benign is not then subjected to further curation. The score for this variant resulted in a classification of benign for this disease.

Illumina Laboratory Services, Illumina
Classification: Benign for Piebaldism. Last evaluated: 2018-01-13. Review status: criteria provided, single submitter. Criteria: ICSL Variant Classification Criteria 13 December 2019. Collection method: clinical testing. Allele origin: germline.
Comment: the same text as in the submission from Illumina Laboratory Services, Illumina above.

Illumina Laboratory Services, Illumina
Classification: Benign for Gastrointestinal stromal tumor. Last evaluated: 2018-01-13. Review status: criteria provided, single submitter. Criteria: ICSL Variant Classification Criteria 13 December 2019. Collection method: clinical testing. Allele origin: germline.
Comment: the same text as in the submission from Illumina Laboratory Services, Illumina above.

Breakthrough Genomics
Classification: Benign. Review status: criteria provided, single submitter. Criteria: ACMG Guidelines, 2015. Collection method: not provided. Allele origin: germline. Inheritance: Autosomal dominant inheritance. Affected: yes.

PreventionGenetics, part of Exact Sciences
Classification: Benign. Review status: criteria provided, single submitter. Criteria: ACMG Guidelines, 2015. Collection method: clinical testing. Allele origin: germline.

Dr. Peter K. Rogan Lab, Western University
No classification provided (evidence only). Condition: Melanoma. Review status: no classification provided. Collection method: in vitro. Allele origin: not applicable. Functional consequence: retained intron. Not counted in ClinVar's aggregate classification.

Dr. Peter K. Rogan Lab, Western University
No classification provided (evidence only). Condition: Melanoma. Review status: no classification provided. Collection method: in vitro. Allele origin: not applicable. Functional consequence: retained intron. Not counted in ClinVar's aggregate classification.

Dr. Peter K. Rogan Lab, Western University
No classification provided (evidence only). Condition: Melanoma. Review status: no classification provided. Collection method: in vitro. Allele origin: not applicable. Functional consequence: retained intron. Not counted in ClinVar's aggregate classification.

Dr. Peter K. Rogan Lab, Western University
No classification provided (evidence only). Condition: Acute myeloid leukemia. Review status: no classification provided. Collection method: in vitro. Allele origin: not applicable. Functional consequence: retained intron. Not counted in ClinVar's aggregate classification.

Dr. Peter K. Rogan Lab, Western University
No classification provided (evidence only). Condition: Acute myeloid leukemia. Review status: no classification provided. Collection method: in vitro. Allele origin: not applicable. Functional consequence: retained intron. Not counted in ClinVar's aggregate classification.

Dr. Peter K. Rogan Lab, Western University
No classification provided (evidence only). Condition: Acute myeloid leukemia. Review status: no classification provided. Collection method: in vitro. Allele origin: not applicable. Functional consequence: retained intron. Not counted in ClinVar's aggregate classification.

Dr. Peter K. Rogan Lab, Western University
No classification provided (evidence only). Condition: Acute myeloid leukemia. Review status: no classification provided. Collection method: in vitro. Allele origin: not applicable. Functional consequence: retained intron. Not counted in ClinVar's aggregate classification.

Dr. Peter K. Rogan Lab, Western University
No classification provided (evidence only). Condition: Acute myeloid leukemia. Review status: no classification provided. Collection method: in vitro. Allele origin: not applicable. Functional consequence: retained intron. Not counted in ClinVar's aggregate classification.

Dr. Peter K. Rogan Lab, Western University
No classification provided (evidence only). Condition: Uterine corpus endometrial carcinoma. Review status: no classification provided. Collection method: in vitro. Allele origin: not applicable. Functional consequence: retained intron. Not counted in ClinVar's aggregate classification.

Dr. Peter K. Rogan Lab, Western University
No classification provided (evidence only). Condition: Nonpapillary renal cell carcinoma. Review status: no classification provided. Collection method: in vitro. Allele origin: not applicable. Functional consequence: retained intron. Not counted in ClinVar's aggregate classification.

Dr. Peter K. Rogan Lab, Western University
No classification provided (evidence only). Condition: Nonpapillary renal cell carcinoma. Review status: no classification provided. Collection method: in vitro. Allele origin: not applicable. Functional consequence: retained intron. Not counted in ClinVar's aggregate classification.

Dr. Peter K. Rogan Lab, Western University
No classification provided (evidence only). Condition: Uveal melanoma. Review status: no classification provided. Collection method: in vitro. Allele origin: not applicable. Functional consequence: retained intron. Not counted in ClinVar's aggregate classification.

Dr. Peter K. Rogan Lab, Western University
No classification provided (evidence only). Condition: Malignant tumor of esophagus. Review status: no classification provided. Collection method: in vitro. Allele origin: not applicable. Functional consequence: retained intron. Not counted in ClinVar's aggregate classification.

Genome Diagnostics Laboratory, Amsterdam University Medical Center
Classification: Benign. Review status: no assertion criteria provided. Collection method: clinical testing. Allele origin: germline. Affected: yes. Study: VKGL Data-share Consensus. Not counted in ClinVar's aggregate classification.

Laboratory of Diagnostic Genome Analysis, Leiden University Medical Center (LUMC)
Classification: Benign. Review status: no assertion criteria provided. Collection method: clinical testing. Allele origin: germline. Affected: yes. Study: VKGL Data-share Consensus. Not counted in ClinVar's aggregate classification.